The following is an entry in ClinVar:

NM_006231.4(POLE):c.6298C>G (p.Pro2100Ala)

Gene: POLE (DNA polymerase epsilon, catalytic subunit; minus strand). Cytogenetic location: 12q24.33.
Variant type: single nucleotide variant.
Coding change: c.6298C>G on transcript NM_006231.4 (MANE Select); coding-DNA position 6298, C replaced by G.
Protein change: p.Pro2100Ala; replaces proline 2100 with alanine.
Molecular consequence: missense variant.
Genome position (GRCh38, 1-based): chr12:132,632,347, G>C on the plus strand (C>G on the coding strand, the complement: POLE is on the minus strand). VCF-style: chr12-132632347-G-C. GRCh37 (hg19) VCF-style: chr12-133208933-G-C.
Other names: c.6298C>G (NM_006231.2); short protein forms P2100A.
Identifiers: ClinVar variation 540775 (VCV000540775.13), dbSNP rs562071800, ClinGen allele CA246292619.

ClinVar aggregate classification (germline): Uncertain significance. Review status: criteria provided, multiple submitters, no conflicts (2 of 4 stars). 3 submissions from 3 submitters: Uncertain significance (3). Last evaluated 2026-01-19.

Conditions:
Hereditary cancer-predisposing syndrome. Also called: Neoplastic Syndromes, Hereditary; Hereditary Cancer Syndrome; Hereditary neoplastic syndrome; Tumor predisposition. Identifiers: Orphanet 140162, MedGen C0027672, MeSH D009386, MONDO:0015356.

Allele frequency attached by ClinVar (database versions not stated): gnomAD exomes below 0.00001; TOPMed below 0.00001; gnomAD 0.00001.
gnomAD v4.1: 3 of 1,614,060 alleles (0.00019%); highest among the groups gnomAD compares: Non-Finnish European, 0.00025%; no homozygotes.

Submissions (3):

Labcorp Genetics (formerly Invitae), Labcorp
Classification: Uncertain significance. Last evaluated: 2026-01-19. Review status: criteria provided, single submitter. Criteria: Invitae Variant Classification Sherloc (09022015). Collection method: clinical testing. Allele origin: germline.
Comment: This sequence change replaces proline, which is neutral and non-polar, with alanine, which is neutral and non-polar, at codon 2100 of the POLE protein (p.Pro2100Ala). This variant is not present in population databases (gnomAD no frequency). This variant has not been reported in the literature in individuals affected with POLE-related conditions. ClinVar contains an entry for this variant (Variation ID: 540775). Invitae Evidence Modeling of protein sequence and biophysical properties (such as structural, functional, and spatial information, amino acid conservation, physicochemical variation, residue mobility, and thermodynamic stability) indicates that this missense variant is not expected to disrupt POLE protein function with a negative predictive value of 80%. In summary, the available evidence is currently insufficient to determine the role of this variant in disease. Therefore, it has been classified as a Variant of Uncertain Significance.

Ambry Genetics
Classification: Uncertain significance for Hereditary cancer-predisposing syndrome. Last evaluated: 2024-01-26. Review status: criteria provided, single submitter. Criteria: Ambry Variant Classification Scheme 2023. Collection method: clinical testing. Allele origin: germline.
Comment: The p.P2100A variant (also known as c.6298C>G), located in coding exon 45 of the POLE gene, results from a C to G substitution at nucleotide position 6298. The proline at codon 2100 is replaced by alanine, an amino acid with highly similar properties. This amino acid position is conserved. In addition, the in silico prediction for this alteration is inconclusive. Based on the available evidence, the clinical significance of this alteration remains unclear.

Women's Health and Genetics/Laboratory Corporation of America, LabCorp
Classification: Uncertain significance. Last evaluated: 2020-10-26. Review status: criteria provided, single submitter. Criteria: LabCorp Variant Classification Summary - May 2015. Collection method: clinical testing. Allele origin: germline.
Comment: Variant summary: POLE c.6298C>G (p.Pro2100Ala) results in a non-conservative amino acid change in the encoded protein sequence. Three of five in-silico tools predict a damaging effect of the variant on protein function. The variant was absent in 251266 control chromosomes (gnomAD). The available data on variant occurrences in the general population are insufficient to allow any conclusion about variant significance. To our knowledge, no occurrence of c.6298C>G in individuals affected with Colorectal Cancer and no experimental evidence demonstrating its impact on protein function have been reported. One clinical diagnostic laboratory has submitted clinical-significance assessments for this variant to ClinVar after 2014 without evidence for independent evaluation. One laboratory classified the variant as uncertain significance. Based on the evidence outlined above, the variant was classified as uncertain significance.